The following is an entry in ClinVar:

NM_015139.3(SLC35D1):c.605G>C (p.Gly202Ala)

Gene: SLC35D1 (solute carrier family 35 member D1; minus strand). Cytogenetic location: 1p31.3.
Variant type: single nucleotide variant.
Coding change: c.605G>C on transcript NM_015139.3 (MANE Select); coding-DNA position 605, G replaced by C.
Protein change: p.Gly202Ala; replaces glycine 202 with alanine.
Molecular consequence: missense variant.
Genome position (GRCh38, 1-based): chr1:67,047,296, C>G on the plus strand (G>C on the coding strand, the complement: SLC35D1 is on the minus strand). VCF-style: chr1-67047296-C-G. GRCh37 (hg19) VCF-style: chr1-67512979-C-G.
Other names: c.605G>C (NM_015139.2); short protein forms G202A.
Identifiers: ClinVar variation 1960540 (VCV001960540.6), dbSNP rs1460728536, ClinGen allele CA340704493.

ClinVar aggregate classification (germline): Uncertain significance. Review status: criteria provided, multiple submitters, no conflicts (2 of 4 stars). 2 submissions from 2 submitters: Uncertain significance (2). Last evaluated 2024-12-10.

Conditions:
Schneckenbecken dysplasia. Identifiers: Orphanet 3144, MedGen C0432194, MONDO:0010013, OMIM 269250.
Inborn genetic diseases. Identifiers: MedGen C0950123, MeSH D030342.

Allele frequency attached by ClinVar (database versions not stated): gnomAD 0.00001; gnomAD exomes 0.00001; TOPMed 0.00002.
gnomAD v4.1: 5 of 1,613,290 alleles (0.00031%); highest among the groups gnomAD compares: Non-Finnish European, 0.00042%; no homozygotes.

Submissions (2):

Ambry Genetics
Classification: Uncertain significance for Inborn genetic diseases. Last evaluated: 2024-12-10. Review status: criteria provided, single submitter. Criteria: Ambry Variant Classification Scheme 2023. Collection method: clinical testing. Allele origin: germline.

Labcorp Genetics (formerly Invitae), Labcorp
Classification: Uncertain significance for Schneckenbecken dysplasia. Last evaluated: 2022-05-29. Review status: criteria provided, single submitter. Criteria: Invitae Variant Classification Sherloc (09022015). Collection method: clinical testing. Allele origin: germline.
Comment: This sequence change replaces glycine, which is neutral and non-polar, with alanine, which is neutral and non-polar, at codon 202 of the SLC35D1 protein (p.Gly202Ala). This variant is present in population databases (no rsID available, gnomAD 0.007%). This variant has not been reported in the literature in individuals affected with SLC35D1-related conditions. Algorithms developed to predict the effect of missense changes on protein structure and function are either unavailable or do not agree on the potential impact of this missense change (SIFT: "Tolerated"; PolyPhen-2: "Probably Damaging"; Align-GVGD: "Class C0"). In summary, the available evidence is currently insufficient to determine the role of this variant in disease. Therefore, it has been classified as a Variant of Uncertain Significance.